The following is an entry in ClinVar:

NM_014264.5(PLK4):c.1312T>C (p.Ser438Pro)

Gene: PLK4 (polo like kinase 4; plus strand). Cytogenetic location: 4q28.1.
Variant type: single nucleotide variant.
Coding change: c.1312T>C on transcript NM_014264.5 (MANE Select); coding-DNA position 1312, T replaced by C.
Protein change: p.Ser438Pro; replaces serine 438 with proline.
Molecular consequence: missense variant.
Genome position (GRCh38, 1-based): chr4:127,886,682, T>C. VCF-style: chr4-127886682-T-C. GRCh37 (hg19) VCF-style: chr4-128807837-T-C.
Other names: c.1216T>C, p.Ser406Pro (NM_001190799.2); c.1189T>C, p.Ser397Pro (NM_001190801.2); short protein forms S397P, S406P, S438P.
Identifiers: ClinVar variation 1006140 (VCV001006140.26), dbSNP rs751170471, ClinGen allele CA3076721.

ClinVar aggregate classification (germline): Conflicting classifications of pathogenicity. Review status: criteria provided, conflicting classifications (1 of 4 stars). 2 submissions from 2 submitters: Uncertain significance (1); Likely benign (1). Last evaluated 2023-09-01.

Allele frequency attached by ClinVar (database versions not stated): gnomAD exomes 0.00001.
gnomAD v4.1: 11 of 1,611,686 alleles (0.00068%); highest among the groups gnomAD compares: Middle Eastern, 0.033%; no homozygotes.

Submissions (2):

CeGaT Center for Human Genetics Tuebingen
Classification: Likely benign. Last evaluated: 2023-09-01. Review status: criteria provided, single submitter. Criteria: CeGaT Center For Human Genetics Tuebingen Variant Classification Criteria Version 2. Collection method: clinical testing. Allele origin: germline. Affected: yes. Observed: 2 variant alleles.
Comment: PLK4: BP4

Labcorp Genetics (formerly Invitae), Labcorp
Classification: Uncertain significance. Last evaluated: 2022-03-02. Review status: criteria provided, single submitter. Criteria: Invitae Variant Classification Sherloc (09022015). Collection method: clinical testing. Allele origin: germline.
Comment: This sequence change replaces serine, which is neutral and polar, with proline, which is neutral and non-polar, at codon 438 of the PLK4 protein (p.Ser438Pro). This variant is present in population databases (rs751170471, gnomAD 0.003%). This variant has not been reported in the literature in individuals affected with PLK4-related conditions. ClinVar contains an entry for this variant (Variation ID: 1006140). Algorithms developed to predict the effect of missense changes on protein structure and function are either unavailable or do not agree on the potential impact of this missense change (SIFT: "Deleterious"; PolyPhen-2: "Benign"; Align-GVGD: "Class C0"). In summary, the available evidence is currently insufficient to determine the role of this variant in disease. Therefore, it has been classified as a Variant of Uncertain Significance.